The following is an entry in ClinVar:

NM_000051.4(ATM):c.2774G>A (p.Arg925Lys)

Gene: ATM (ATM serine/threonine kinase; plus strand). Cytogenetic location: 11q22.3.
Variant type: single nucleotide variant.
Coding change: c.2774G>A on transcript NM_000051.4 (MANE Select); coding-DNA position 2774, G replaced by A.
Protein change: p.Arg925Lys; replaces arginine 925 with lysine.
Molecular consequence: missense variant.
Genome position (GRCh38, 1-based): chr11:108,268,545, G>A. VCF-style: chr11-108268545-G-A. GRCh37 (hg19) VCF-style: chr11-108139272-G-A.
Other names: c.2774G>A, p.Arg925Lys (NM_001351834.2); short protein forms R925K.
Identifiers: ClinVar variation 1795835 (VCV001795835.3), dbSNP rs2135525957, ClinGen allele CA382545531.

ClinVar aggregate classification (germline): Uncertain significance (1 of 4 stars; one submission).

Conditions:
Hereditary cancer-predisposing syndrome. Also called: Tumor predisposition; Hereditary Cancer Syndrome; Neoplastic Syndromes, Hereditary; Hereditary neoplastic syndrome. Identifiers: Orphanet 140162, MedGen C0027672, MeSH D009386, MONDO:0015356.

Submission:

Ambry Genetics
Classification: Uncertain significance for Hereditary cancer-predisposing syndrome. Last evaluated: 2025-03-06. Review status: criteria provided, single submitter. Criteria: Ambry Variant Classification Scheme 2023. Collection method: clinical testing. Allele origin: germline.
Comment: The p.R925K variant (also known as c.2774G>A), located in coding exon 17 of the ATM gene, results from a G to A substitution at nucleotide position 2774. The arginine at codon 925 is replaced by lysine, an amino acid with highly similar properties. This amino acid position is highly conserved in available vertebrate species. In addition, the in silico prediction for this alteration is inconclusive. Based on the available evidence, the clinical significance of this variant remains unclear.